The following is an entry in ClinVar:

ClinVar aggregate classification (germline): Benign/Likely benign. Review status: criteria provided, multiple submitters, no conflicts (2 of 4 stars). 4 submissions from 4 submitters: Benign (1); Likely benign (3). Last evaluated 2026-07-10.

Conditions:
Hereditary cancer-predisposing syndrome. Also called: Hereditary Cancer Syndrome; Tumor predisposition; Hereditary neoplastic syndrome; Neoplastic Syndromes, Hereditary. Identifiers: Orphanet 140162, MedGen C0027672, MeSH D009386, MONDO:0015356.
Rhabdoid tumor predisposition syndrome 2 (RTPS2). Identifiers: Orphanet 231108, Orphanet 69077, MedGen C2750074, MONDO:0013224, OMIM 613325.

Allele frequency attached by ClinVar (database versions not stated): gnomAD exomes below 0.00001; TOPMed 0.00001.
gnomAD v4.1: 2 of 1,614,194 alleles (0.00012%); highest among the groups gnomAD compares: Non-Finnish European, 0.00017%; no homozygotes.

Submissions (4):

Myriad Genetics, Inc.
Classification: Benign for Rhabdoid tumor predisposition syndrome 2. Last evaluated: 2026-07-10. Review status: criteria provided, single submitter. Criteria: Myriad Autosomal Dominant, Autosomal Recessive and X-Linked Classification Criteria (2023). Collection method: clinical testing. Allele origin: unknown.
Comment: This variant is considered benign. This variant is a silent/synonymous amino acid change and it is not expected to impact splicing.

Labcorp Genetics (formerly Invitae), Labcorp
Classification: Likely benign for Rhabdoid tumor predisposition syndrome 2. Last evaluated: 2026-01-12. Review status: criteria provided, single submitter. Criteria: Invitae Variant Classification Sherloc (09022015). Collection method: clinical testing. Allele origin: germline.

Quest Diagnostics Nichols Institute San Juan Capistrano
Classification: Likely benign. Last evaluated: 2025-07-09. Review status: criteria provided, single submitter. Criteria: Quest Diagnostics criteria. Collection method: clinical testing. Allele origin: unknown.

Ambry Genetics
Classification: Likely benign for Hereditary cancer-predisposing syndrome. Last evaluated: 2016-06-21. Review status: criteria provided, single submitter. Criteria: Ambry Variant Classification Scheme 2023. Collection method: clinical testing. Allele origin: germline.

NM_003072.5(SMARCA4):c.1800G>A (p.Gly600=)

Gene: SMARCA4 (SWI/SNF related BAF chromatin remodeling complex subunit ATPase 4; plus strand). Cytogenetic location: 19p13.2.
Variant type: single nucleotide variant.
Coding change: c.1800G>A on transcript NM_003072.5 (MANE Select); coding-DNA position 1800, G replaced by A.
Protein change: p.Gly600=; no amino-acid change (glycine 600 retained).
Molecular consequence: synonymous variant. On other transcripts: non-coding transcript variant (1).
Genome position (GRCh38, 1-based): chr19:10,996,532, G>A. VCF-style: chr19-10996532-G-A. GRCh37 (hg19) VCF-style: chr19-11107208-G-A.
Other names: c.1800G>A, p.Gly600= (NM_001128844.3, NM_001128845.2, NM_001128846.2 and 5 more transcripts).
Identifiers: ClinVar variation 238383 (VCV000238383.18), dbSNP rs878854202, ClinGen allele CA10583734.